The following is an entry in ClinVar:

ClinVar aggregate classification (germline): Uncertain significance (1 of 4 stars; one submission).

Allele frequency attached by ClinVar (database versions not stated): gnomAD 0.00001; gnomAD exomes 0.00001; TOPMed 0.00003; ExAC 0.00005.
gnomAD v4.1: 16 of 1,614,102 alleles (0.00099%); highest among the groups gnomAD compares: East Asian, 0.029%; no homozygotes.

Submission:

Labcorp Genetics (formerly Invitae), Labcorp
Classification: Uncertain significance. Last evaluated: 2025-04-07. Review status: criteria provided, single submitter. Criteria: Invitae Variant Classification Sherloc (09022015). Collection method: clinical testing. Allele origin: germline.
Comment: This sequence change replaces alanine, which is neutral and non-polar, with threonine, which is neutral and polar, at codon 1211 of the C5 protein (p.Ala1211Thr). This variant is present in population databases (rs751922956, gnomAD 0.06%). This variant has not been reported in the literature in individuals affected with C5-related conditions. ClinVar contains an entry for this variant (Variation ID: 2197911). An algorithm developed to predict the effect of missense changes on protein structure and function outputs the following: PolyPhen-2: "Benign". The threonine amino acid residue is found in multiple mammalian species, which suggests that this missense change does not adversely affect protein function. In summary, the available evidence is currently insufficient to determine the role of this variant in disease. Therefore, it has been classified as a Variant of Uncertain Significance.

NM_001735.3(C5):c.3631G>A (p.Ala1211Thr)

Gene: C5 (complement C5; minus strand). Cytogenetic location: 9q33.2.
Variant type: single nucleotide variant.
Coding change: c.3631G>A on transcript NM_001735.3 (MANE Select); coding-DNA position 3631, G replaced by A.
Protein change: p.Ala1211Thr; replaces alanine 1211 with threonine.
Molecular consequence: missense variant.
Genome position (GRCh38, 1-based): chr9:120,980,110, C>T on the plus strand (G>A on the coding strand, the complement: C5 is on the minus strand). VCF-style: chr9-120980110-C-T. GRCh37 (hg19) VCF-style: chr9-123742388-C-T.
Other names: c.3649G>A, p.Ala1217Thr (NM_001317163.2); short protein forms A1211T, A1217T.
Identifiers: ClinVar variation 2197911 (VCV002197911.2), dbSNP rs751922956, ClinGen allele CA5217431.